The following is an entry in ClinVar:

ClinVar aggregate classification (germline): Pathogenic. Review status: criteria provided, single submitter (1 of 4 stars). 2 submissions from 2 submitters: Pathogenic (1). 1 of the submissions does not count toward it. Last evaluated 2022-07-20.

Conditions:
Cohen syndrome (COH1). Also called: Cutis verticis gyrata, retinitis pigmentosa, and sensorineural deafness; PEPPER SYNDROME. Identifiers: Orphanet 193, MedGen C0265223, MONDO:0008999, OMIM 216550.

Submissions (2):

Greenwood Genetic Center Diagnostic Laboratories, Greenwood Genetic Center
Classification: Pathogenic for Cohen syndrome. Last evaluated: 2022-07-20. Review status: criteria provided, single submitter. Criteria: ACMG Guidelines, 2015. Collection method: clinical testing. Allele origin: germline. Affected: yes.
Comment: PVS1, PM2, PM3

Counsyl
Classification: Likely pathogenic for Cohen syndrome. Last evaluated: 2016-02-23. Review status: no assertion criteria provided. Collection method: clinical testing. Allele origin: unknown. Not counted in ClinVar's aggregate classification.

NM_152564.5(VPS13B):c.7073G>A (p.Trp2358Ter)

Gene: VPS13B (vacuolar protein sorting 13 homolog B; plus strand). Cytogenetic location: 8q22.2.
Variant type: single nucleotide variant.
Coding change: c.7073G>A on transcript NM_152564.5 (MANE Select); coding-DNA position 7073, G replaced by A.
Protein change: p.Trp2358Ter; replaces tryptophan 2358 with a stop codon.
Molecular consequence: nonsense.
Genome position (GRCh38, 1-based): chr8:99,766,796, G>A. VCF-style: chr8-99766796-G-A. GRCh37 (hg19) VCF-style: chr8-100779024-G-A.
Other names: c.7148G>A, p.Trp2383Ter (NM_017890.5); short protein forms W2358*, W2383*.
Identifiers: ClinVar variation 370527 (VCV000370527.6), dbSNP rs1057516559, ClinGen allele CA16041250.
Genomic context (GRCh38, chr8:99,766,796, plus strand): 5'-CTATTTGCAACTTCTAAATTTTTTTTATTTTAACATAGGTTCCTTGTAGCTTGGAATACT[G>A]GGATGAACTCCAGAAGGTTTTTGTTGCATTTAGAGAATTTAATCTGTCTGAAAGCAAAGT-3'